The following is an entry in ClinVar:

ClinVar aggregate classification (germline): Uncertain significance (1 of 4 stars; one submission).

Conditions:
Long QT syndrome (LQTS). Identifiers: MedGen C0023976, MeSH D008133, MONDO:0002442. Disease mechanism: loss of function. Inheritance: Various modes of inheritance.

Allele frequency attached by ClinVar (database versions not stated): gnomAD 0.00001.

Submission:

Labcorp Genetics (formerly Invitae), Labcorp
Classification: Uncertain significance for Long QT syndrome. Last evaluated: 2019-07-25. Review status: criteria provided, single submitter. Criteria: Invitae Variant Classification Sherloc (09022015). Collection method: clinical testing. Allele origin: germline.
Comment: In summary, the available evidence is currently insufficient to determine the role of this variant in disease. Therefore, it has been classified as a Variant of Uncertain Significance. Nucleotide substitutions within the consensus splice site are a relatively common cause of aberrant splicing (PMID: 17576681, 9536098). Algorithms developed to predict the effect of sequence changes on RNA splicing suggest that this variant is not likely to affect RNA splicing, but this prediction has not been confirmed by published transcriptional studies. This variant has not been reported in the literature in individuals with AKAP9-related conditions. This variant is not present in population databases (ExAC no frequency). This sequence change falls in intron 49 of the AKAP9 gene. It does not directly change the encoded amino acid sequence of the AKAP9 protein, but it affects a nucleotide within the consensus splice site of the intron.

Literature cited by the submitters: PubMed 17576681; PubMed 9536098.

NM_005751.5(AKAP9):c.11687-3dup

Gene: AKAP9 (A-kinase anchoring protein 9; plus strand). Cytogenetic location: 7q21.2.
Variant type: Duplication.
Coding change: c.11687-3dup on transcript NM_005751.5 (MANE Select); 3 bases into the intron before coding-DNA position 11687, one base duplicated (T; older notation c.11687-3dupT).
Molecular consequence: intron variant.
Genome position (GRCh38, 1-based): chr7:92,110,119, T duplicated. VCF-style (leftmost placement, unchanged base first): chr7-92110118-A-AT. GRCh37 (hg19) VCF-style: chr7-91739432-A-AT.
Other names: c.11663-3dup (NM_147185.3); c.6332-3dup (NM_001379277.1).
Identifiers: ClinVar variation 953172 (VCV000953172.9), dbSNP rs1189746525, ClinGen allele CA576294448.